The following is an entry in ClinVar:

ClinVar aggregate classification (germline): Uncertain significance (1 of 4 stars; one submission).

Submission:

GeneDx
Classification: Uncertain significance. Last evaluated: 2024-05-09. Review status: criteria provided, single submitter. Criteria: GeneDx Variant Classification Process June 2021. Collection method: clinical testing. Allele origin: germline. Affected: yes.
Comment: Not observed at significant frequency in large population cohorts (gnomAD); In silico analysis supports that this missense variant has a deleterious effect on protein structure/function; Has not been previously published as pathogenic or benign to our knowledge

NM_001349338.3(FOXP1):c.201G>C (p.Gln67His)

Gene: FOXP1 (forkhead box P1; minus strand). Cytogenetic location: 3p13.
Variant type: single nucleotide variant.
Coding change: c.201G>C on transcript NM_001349338.3 (MANE Select); coding-DNA position 201, G replaced by C.
Protein change: p.Gln67His; replaces glutamine 67 with histidine.
Molecular consequence: missense variant. On other transcripts: 5 prime UTR variant (5), non-coding transcript variant (2).
Genome position (GRCh38, 1-based): chr3:71,112,617, C>G on the plus strand (G>C on the coding strand, the complement: FOXP1 is on the minus strand). VCF-style: chr3-71112617-C-G. GRCh37 (hg19) VCF-style: chr3-71161768-C-G.
Other names: c.201G>C, p.Gln67His (NM_001244808.3, NM_001244810.2, NM_001244812.3 and 5 more transcripts); c.-100G>C (NM_001244815.2, NM_001349337.2, NM_001349342.3 and 2 more transcripts); short protein forms Q67H.
Identifiers: ClinVar variation 3375679 (VCV003375679.1).